The following is an entry in ClinVar:

NM_000237.3(LPL):c.607G>A (p.Ala203Thr)

Gene: LPL (lipoprotein lipase; plus strand). Cytogenetic location: 8p21.3.
Variant type: single nucleotide variant.
Coding change: c.607G>A on transcript NM_000237.3 (MANE Select); coding-DNA position 607, G replaced by A.
Protein change: p.Ala203Thr; replaces alanine 203 with threonine.
Molecular consequence: missense variant.
Genome position (GRCh38, 1-based): chr8:19,954,185, G>A. VCF-style: chr8-19954185-G-A. GRCh37 (hg19) VCF-style: chr8-19811696-G-A.
Other names: A176T; short protein forms A203T.
Identifiers: ClinVar variation 1519 (VCV000001519.2), dbSNP rs118204056, ClinGen allele CA251860.

ClinVar aggregate classification (germline): Likely pathogenic. Review status: criteria provided, single submitter (1 of 4 stars). 2 submissions from 2 submitters: Likely pathogenic (1). 1 of the submissions does not count toward it. Last evaluated 2025-11-17.

Conditions:
Hyperlipoproteinemia, type I. Also called: Lipoprotein Lipase Deficiency; Lipase D deficiency; Familial Lipoprotein Lipase Deficiency; Hyperlipoproteinemia type 1; Hyperchylomicro-nemia familial; Familial chylomicronemia. Identifiers: Orphanet 309015, Orphanet 444490, MedGen C0023817, MONDO:0009387, OMIM 238600. Disease mechanism: loss of function.

Allele frequency attached by ClinVar (database versions not stated): gnomAD exomes below 0.00001; gnomAD 0.00001; TOPMed 0.00001.
gnomAD v4.1: 2 of 1,613,998 alleles (0.00012%); highest among the groups gnomAD compares: African/African-American, 0.0013%; no homozygotes.

Submissions (2):

Women's Health and Genetics/Laboratory Corporation of America, LabCorp
Classification: Likely pathogenic for Hyperlipoproteinemia, type I. Last evaluated: 2025-11-17. Review status: criteria provided, single submitter. Criteria: LabCorp Variant Classification Summary - May 2015. Collection method: clinical testing. Allele origin: germline.
Comment: Variant summary: LPL c.607G>A (p.Ala203Thr) results in a non-conservative amino acid change in the encoded protein sequence. Algorithms developed to predict the effect of missense changes on protein structure and function all suggest that this variant is likely to be disruptive. The variant was absent in 251454 control chromosomes. c.607G>A has been observed as homozygous and compound heterozygous in individuals affected with Familial Lipoprotein Lipase Deficiency (Beg_1990, Xia_2023). These data indicate that the variant may be associated with disease. At least two publications report experimental evidence evaluating an impact on protein function (Beg_1990, Hata_1992). The most pronounced variant effect results in <10% of normal activity. The following publications have been ascertained in the context of this evaluation (PMID: 2110364, 1400331, 37858495). ClinVar contains an entry for this variant (Variation ID: 1519). Based on the evidence outlined above, the variant was classified as likely pathogenic.

OMIM
Classification: Pathogenic for LIPOPROTEIN LIPASE DEFICIENCY. Last evaluated: 1990-05-01. Review status: no assertion criteria provided. Collection method: literature only. Allele origin: germline. Not counted in ClinVar's aggregate classification.

Literature cited by the submitters: PubMed 37858495 (cited by Women's Health and Genetics/Laboratory Corporation of America, LabCorp); PubMed 2110364 (cited by Women's Health and Genetics/Laboratory Corporation of America, LabCorp and OMIM); PubMed 1400331 (cited by Women's Health and Genetics/Laboratory Corporation of America, LabCorp).